The following is an entry in ClinVar:

ClinVar aggregate classification (germline): Likely benign. Review status: criteria provided, single submitter (1 of 4 stars). 2 submissions from 2 submitters: Likely benign (1). 1 of the submissions does not count toward it. Last evaluated 2025-02-20.

Conditions:
PCNT-related disorder. Also called: PCNT-related condition.

Allele frequency attached by ClinVar (database versions not stated): ExAC 0.00001; TOPMed 0.00002; gnomAD 0.00003; ESP Exome Variant Server 0.00008; gnomAD exomes 0.00001.
gnomAD v4.1: 20 of 1,614,020 alleles (0.0012%); highest among the groups gnomAD compares: Non-Finnish European, 0.0017%; no homozygotes.

Submissions (2):

Labcorp Genetics (formerly Invitae), Labcorp
Classification: Likely benign. Last evaluated: 2025-02-20. Review status: criteria provided, single submitter. Criteria: Invitae Variant Classification Sherloc (09022015). Collection method: clinical testing. Allele origin: germline.

PreventionGenetics, part of Exact Sciences
Classification: Likely benign for PCNT-related condition. Last evaluated: 2023-12-06. Review status: no assertion criteria provided. Collection method: clinical testing. Allele origin: germline. Not counted in ClinVar's aggregate classification.
Comment: This variant is classified as likely benign based on ACMG/AMP sequence variant interpretation guidelines (Richards et al. 2015 PMID: 25741868, with internal and published modifications).

NM_006031.6(PCNT):c.1002A>G (p.Ser334=)

Gene: PCNT (pericentrin; plus strand). Cytogenetic location: 21q22.3.
Variant type: single nucleotide variant.
Coding change: c.1002A>G on transcript NM_006031.6 (MANE Select); coding-DNA position 1002, A replaced by G.
Protein change: p.Ser334=; no amino-acid change (serine 334 retained).
Molecular consequence: synonymous variant.
Genome position (GRCh38, 1-based): chr21:46,347,482, A>G. VCF-style: chr21-46347482-A-G. GRCh37 (hg19) VCF-style: chr21-47767396-A-G.
Other names: c.1002A>G (NM_006031.5); c.648A>G, p.Ser216= (NM_001315529.2).
Identifiers: ClinVar variation 2967359 (VCV002967359.5), dbSNP rs374796010, ClinGen allele CA10078474.